The following is an entry in ClinVar:

NM_015335.5(MED13L):c.2539G>A (p.Asp847Asn)

Gene: MED13L (mediator complex subunit 13L; minus strand). Cytogenetic location: 12q24.21.
Variant type: single nucleotide variant.
Coding change: c.2539G>A on transcript NM_015335.5 (MANE Select); coding-DNA position 2539, G replaced by A.
Protein change: p.Asp847Asn; replaces aspartic acid 847 with asparagine.
Molecular consequence: missense variant.
Genome position (GRCh38, 1-based): chr12:116,003,033, C>T on the plus strand (G>A on the coding strand, the complement: MED13L is on the minus strand). VCF-style: chr12-116003033-C-T. GRCh37 (hg19) VCF-style: chr12-116440838-C-T.
Other names: short protein forms D847N.
Identifiers: ClinVar variation 2446194 (VCV002446194.1), dbSNP rs1878840373, ClinGen allele CA386891400.
Genomic context (GRCh38, chr12:116,003,033, plus strand): 5'-ACAATGGCTCAGTCAAGTTTCTCTACCTACTTGGTGGATAAGGAACAGCAGCTCTTCCAT[C>T]CTTCCCAAGAGGTCGGTCTTCTGTCCCAACTGCAGGCATTTTTGATGAGCGCAGAGCAGG-3'
Protein context (NP_056150.1, residues 837-857): VGTEDRPLGK[Asp847Asn]GRAAVPYPPT

ClinVar aggregate classification (germline): Uncertain significance (1 of 4 stars; one submission).

Allele frequency attached by ClinVar (database versions not stated): gnomAD exomes below 0.00001.
gnomAD v4.1: 1 of 1,614,126 alleles (0.000062%); highest among the groups gnomAD compares: Non-Finnish European, 0.000085%; no homozygotes.

Submission:

GeneDx
Classification: Uncertain significance. Last evaluated: 2022-09-21. Review status: criteria provided, single submitter. Criteria: GeneDx Variant Classification Process June 2021. Collection method: clinical testing. Allele origin: germline. Affected: yes.
Comment: Not observed at significant frequency in large population cohorts (gnomAD); In silico analysis supports that this missense variant does not alter protein structure/function; Has not been previously published as pathogenic or benign to our knowledge